The following is an entry in ClinVar:

ClinVar aggregate classification (germline): Pathogenic. Review status: criteria provided, multiple submitters, no conflicts (2 of 4 stars). 14 submissions from 14 submitters: Pathogenic (11). 3 of the submissions do not count toward it. Last evaluated 2025-12-20.

Conditions:
APC-related disorder. Also called: APC-related condition.
Hereditary cancer-predisposing syndrome. Also called: Hereditary neoplastic syndrome; Tumor predisposition; Neoplastic Syndromes, Hereditary; Hereditary Cancer Syndrome. Identifiers: Orphanet 140162, MedGen C0027672, MeSH D009386, MONDO:0015356.
Familial multiple polyposis syndrome (FAP). Also called: Familial polyposis; Classic familial adenomatous polyposis; Familial intestinal polyposis; Familial adenomatous polyposis; Familial Adenomatous Polyposis (FAP). Identifiers: Orphanet 733, MedGen C0032580, MONDO:0021055. Disease mechanism: loss of function.
Familial adenomatous polyposis 1 (FAP1). Also called: FAMILIAL ADENOMATOUS POLYPOSIS 1, ATTENUATED; POLYPOSIS, ADENOMATOUS INTESTINAL. Identifiers: MedGen C2713442, MONDO:0021056, OMIM 175100. Disease mechanism: loss of function.

Submissions 1 to 7 of 14:

Labcorp Genetics (formerly Invitae), Labcorp
Classification: Pathogenic for Familial adenomatous polyposis 1. Last evaluated: 2025-12-20. Review status: criteria provided, single submitter. Criteria: Invitae Variant Classification Sherloc (09022015). Collection method: clinical testing. Allele origin: germline.
Comment: This sequence change creates a premature translational stop signal (p.Asp849Glufs*11) in the APC gene. While this is not anticipated to result in nonsense mediated decay, it is expected to disrupt the last 1995 amino acid(s) of the APC protein. This variant is not present in population databases (gnomAD no frequency). This premature translational stop signal has been observed in individuals with clinical features of familial adenomatosis polyposis (PMID: 12357334, 17963004, 20223039, 20685668, 29406563, 30897307; internal data). It has also been observed to segregate with disease in related individuals. ClinVar contains an entry for this variant (Variation ID: 92342). This variant is expected to disrupt the EB1 and HDLG binding sites, which mediate interactions with the cytoskeleton (PMID: 15311282, 17293347). While functional studies have not been performed to directly test the effect on APC protein function, this suggests that disruption of the C-terminal portion of the protein is functionally important. A different truncation (p.Tyr2645Lysfs*14) that lies downstream of this variant has been determined to be pathogenic (PMID: 9824584, 1316610, 27081525, 8381579, 22135120, internal data). This suggests that deletion of this region of the APC protein is causative of disease. For these reasons, this variant has been classified as Pathogenic.

Ambry Genetics
Classification: Pathogenic for Hereditary cancer-predisposing syndrome. Last evaluated: 2025-02-27. Review status: criteria provided, single submitter. Criteria: Ambry Variant Classification Scheme 2023. Collection method: clinical testing. Allele origin: germline.
Comment: The c.2547_2550delTAGA pathogenic mutation, located in coding exon 15 of the APC gene, results from a deletion of 4 nucleotides at nucleotide positions 2547 to 2550, causing a translational frameshift with a predicted alternate stop codon (p.D849Efs*11). This alteration occurs at the 3' terminus of theAPC gene, is not expected to trigger nonsense-mediated mRNA decay, and impacts the last 1995 amino acids of the protein. However, premature stop codons are typically deleterious in nature and the impacted region is critical for protein function (Ambry internal data).This mutation has been reported in multiple individuals with familial adenomatous polyposis (FAP) including some individuals with extra colonic manifestations including desmoid tumors, congenital hypertrophy of the retinal pigment epithelium (CHRPE), and hepatoblastoma (Ripa R et al. Eur J Hum Genet, 2002 Oct;10:631-7; Friedl W et al. Hered Cancer Clin Pract, 2005 Sep;3:95-114; De la Fuente MK et al. Dis Colon Rectum, 2007 Dec;50:2142-8; Lagarde A et al. J Med Genet, 2010 Oct;47:721-2; Rohlin A et al. Oncogene, 2011 Dec;30:4977-89; Yanus GA et al. Clin Genet, 2018 05;93:1015-1021; Morcrette G et al. Oncoimmunology Mar;8:e1583547; de Oliveira JC et al. Cancer Med, 2019 05;8:2114-2122). This variant is considered to be rare based on population cohorts in the Genome Aggregation Database (gnomAD). Based on the supporting evidence, this alteration is interpreted as a disease-causing mutation.

Color Diagnostics, LLC DBA Color Health
Classification: Pathogenic for Hereditary cancer-predisposing syndrome. Last evaluated: 2023-11-13. Review status: criteria provided, single submitter. Criteria: ACMG Guidelines, 2015. Collection method: clinical testing. Allele origin: germline.
Comment: This variant deletes 4 nucleotides in exon 16 of the APC gene, creating a frameshift and premature translation stop signal in the last coding exon. This variant is predicted to escape nonsense-mediated decay and be expressed as a truncated protein. Although functional studies have not been reported, this variant is expected to disrupt several important c-terminal domains of the APC protein including the beta-catenin binding domain, SAMP-repeats, basic domain, EB1 binding domain, and HDLG domain (PMID: 11257105). This variant has been reported in individuals affected with familial adenomatous polyposis (FAP) (PMID: 20685668, 21643010, 31069152) as well as in individuals affected with colon polyposis or desmoid tumors (PMID: 29406563, 30897307). This variant has not been identified in the general population by the Genome Aggregation Database (gnomAD). Loss of APC function is a known mechanism of disease. Based on the available evidence, this variant is classified as Pathogenic.

Myriad Genetics, Inc.
Classification: Pathogenic for Familial adenomatous polyposis 1. Last evaluated: 2023-05-04. Review status: criteria provided, single submitter. Criteria: Myriad Autosomal Dominant, Autosomal Recessive and X-Linked Classification Criteria (2023). Collection method: clinical testing. Allele origin: unknown.
Comment: This variant is considered pathogenic. This variant creates a frameshift predicted to result in premature protein truncation.

Laboratorio de Genetica e Diagnostico Molecular, Hospital Israelita Albert Einstein
Classification: Pathogenic for Familial adenomatous polyposis 1. Last evaluated: 2022-07-05. Review status: criteria provided, single submitter. Criteria: ACMG Guidelines, 2015. Collection method: clinical testing. Allele origin: germline. Affected: yes. Observed: 1 variant allele.
Comment: ACMG classification criteria: PVS1 strong, PS4 strong, PM2 moderated, PM6 moderated, PP1 supporting

Quest Diagnostics Nichols Institute San Juan Capistrano
Classification: Pathogenic. Last evaluated: 2021-06-18. Review status: criteria provided, single submitter. Criteria: Quest Diagnostics criteria. Collection method: clinical testing. Allele origin: unknown.
Comment: This frameshift variant causes the premature termination of APC protein synthesis. In addition, it has been reported in affected individuals with familial adenomatous polyposis in the published literature (PMIDs: 8187091 (1994), 17963004 (2007), 20223039 (2005), 20685668 (2010), 21643010 (2011), 29406563 (2018), and 30897307 (2019)). This variant has also been confirmed as de novo in three familial adenomatous polyposis cases (PMIDs: 12357334 (2002) and 31069152 (2019)). Therefore, the variant is classified as pathogenic.

ARUP Laboratories, Molecular Genetics and Genomics, ARUP Laboratories
Classification: Pathogenic. Last evaluated: 2018-10-09. Review status: criteria provided, single submitter. Criteria: ARUP Molecular Germline Variant Investigation Process. Collection method: clinical testing. Allele origin: germline.
Comment: The APC c.2547_2550delTAGA; p.Asp849fs variant (rs398123118) has been described in several individuals and families affected with familial adenomatous polyposis (FAP; Friedl 2005, Miyaki 1994, Ripa 2002). It is reported as pathogenic by several laboratories in ClinVar (Variation ID: 92342) and is absent from general population databases (1000 Genomes Project, Exome Variant Server, and Genome Aggregation Database), indicating it is not a common polymorphism. This variant causes a frameshift by deleting 4 nucleotides, so it is predicted to result in a truncated protein or mRNA subject to nonsense-mediated decay. Additionally, the vast majority of pathogenic APC variants are truncating nonsense or frameshift variants (see InSiGHt, Kerr 2013). Based on available information, this variant is considered pathogenic. REFERENCES Link to InSiGHt. Friedl W et al. Familial adenomatous polyposis: experience from a study of 1164 unrelated german polyposis patients. Hered Cancer Clin Pract. 2005 Sep 15;3(3):95-114. Kerr SE et al. APC germline mutations in individuals being evaluated for familial adenomatous polyposis: a review of the Mayo Clinic experience with 1591 consecutive tests. J Mol Diagn. 2013 Jan;15(1):31-43. Miyaki M et al. Characteristics of somatic mutation of the adenomatous polyposis coli gene in colorectal tumors. Cancer Res. 1994 Jun 1;54(11):3011-20. Ripa R et al. De novo mutations in familial adenomatous polyposis (FAP). Eur J Hum Genet. 2002 Oct;10(10):631-7.

NM_000038.6(APC):c.2547_2550del (p.Asp849fs)

Gene: APC (APC regulator of Wnt signaling pathway; plus strand). Cytogenetic location: 5q22.2.
Variant type: Deletion.
Coding change: c.2547_2550del on transcript NM_000038.6 (MANE Select); coding-DNA positions 2547 to 2550, 4 bases deleted (TAGA; older notation c.2547_2550delTAGA).
Protein change: p.Asp849fs; shifts the reading frame from aspartic acid 849.
Molecular consequence: frameshift variant.
Genome position (GRCh38, 1-based): chr5:112,838,141-112,838,144, TAGA deleted; deleting any 4 consecutive bases within chr5:112,838,138-112,838,144 gives the same sequence; the c. name uses the placement nearest the transcript's 3' end. VCF-style (leftmost placement, unchanged base first): chr5-112838137-AAGAT-A. GRCh37 (hg19) VCF-style: chr5-112173834-AAGAT-A.
Other names: c.2547_2550del, p.Asp849fs (NM_001127510.3, NM_001354895.2); c.2493_2496del, p.Asp831fs (NM_001127511.3); c.2601_2604del, p.Asp867fs (NM_001354896.2); c.2577_2580del, p.Asp859fs (NM_001354897.2); c.2472_2475del, p.Asp824fs (NM_001354898.2); c.2463_2466del, p.Asp821fs (NM_001354899.2); c.2424_2427del, p.Asp808fs (NM_001354900.2); c.2370_2373del, p.Asp790fs (NM_001354901.2); and 6 more; short protein forms D689fs, D808fs, D821fs, D824fs, D859fs, D867fs, D723fs, D849fs.
Identifiers: ClinVar variation 92342 (VCV000092342.36), dbSNP rs398123118, ClinGen allele CA007595.